The following is an entry in ClinVar:

NM_001927.4(DES):c.980A>C (p.Gln327Pro)

Gene: DES (desmin; plus strand). Cytogenetic location: 2q35.
Variant type: single nucleotide variant.
Coding change: c.980A>C on transcript NM_001927.4 (MANE Select); coding-DNA position 980, A replaced by C.
Protein change: p.Gln327Pro; replaces glutamine 327 with proline.
Molecular consequence: missense variant.
Genome position (GRCh38, 1-based): chr2:219,420,910, A>C. VCF-style: chr2-219420910-A-C. GRCh37 (hg19) VCF-style: chr2-220285632-A-C.
Other names: short protein forms Q327P.
Identifiers: ClinVar variation 44276 (VCV000044276.4), dbSNP rs397516700, ClinGen allele CA133889.

ClinVar aggregate classification (germline): Uncertain significance (1 of 4 stars; one submission).

Submission:

Laboratory for Molecular Medicine, Mass General Brigham Personalized Medicine
Classification: Uncertain significance. Last evaluated: 2012-04-24. Review status: criteria provided, single submitter. Criteria: LMM Criteria. Collection method: clinical testing. Allele origin: germline. Observed: 1 variant allele.
Comment: Variant classified as Uncertain Significance - Favor Pathogenic. The Gln327Pro v ariant (DES) has not been previously reported in the literature nor previously i dentified by our laboratory. Computational analyses (biochemical amino acid prop erties, conservation, PolyPhen2, and SIFT) suggest that this variant may impact the protein, though this information is not predictive enough to determine patho genicity. Additional information is needed to fully assess the clinical signific ance of the Gln327Pro variant.